The following is an entry in ClinVar:

ClinVar aggregate classification (germline): Uncertain significance (1 of 4 stars; one submission).

Conditions:
TH-deficient dopa-responsive dystonia. Also called: Tyrosine Hydroxylase-Deficient Dopa-Responsive Dystonia; Segawa syndrome, autosomal recessive; DYT-TH. Identifiers: Orphanet 101150, MedGen C2673535, MONDO:0011551, OMIM 605407.

gnomAD v4.1: 2 of 1,595,596 alleles (0.00013%); highest among the groups gnomAD compares: Non-Finnish European, 0.00017%; no homozygotes.

Submission:

Labcorp Genetics (formerly Invitae), Labcorp
Classification: Uncertain significance for TH-deficient dopa-responsive dystonia. Last evaluated: 2024-05-21. Review status: criteria provided, single submitter. Criteria: Invitae Variant Classification Sherloc (09022015). Collection method: clinical testing. Allele origin: germline.
Comment: This sequence change replaces alanine, which is neutral and non-polar, with glycine, which is neutral and non-polar, at codon 287 of the TH protein (p.Ala287Gly). This variant is not present in population databases (gnomAD no frequency). This variant has not been reported in the literature in individuals affected with TH-related conditions. Advanced modeling of protein sequence and biophysical properties (such as structural, functional, and spatial information, amino acid conservation, physicochemical variation, residue mobility, and thermodynamic stability) has been performed at Invitae for this missense variant, however the output from this modeling did not meet the statistical confidence thresholds required to predict the impact of this variant on TH protein function. In summary, the available evidence is currently insufficient to determine the role of this variant in disease. Therefore, it has been classified as a Variant of Uncertain Significance.

NM_000360.4(TH):c.767C>G (p.Ala256Gly)

Gene: TH (tyrosine hydroxylase; minus strand). Cytogenetic location: 11p15.5.
Variant type: single nucleotide variant.
Coding change: c.767C>G on transcript NM_000360.4 (MANE Select); coding-DNA position 767, C replaced by G.
Protein change: p.Ala256Gly; replaces alanine 256 with glycine.
Molecular consequence: missense variant.
Genome position (GRCh38, 1-based): chr11:2,166,961, G>C on the plus strand (C>G on the coding strand, the complement: TH is on the minus strand). VCF-style: chr11-2166961-G-C. GRCh37 (hg19) VCF-style: chr11-2188191-G-C.
Other names: c.860C>G, p.Ala287Gly (NM_199292.3); c.848C>G, p.Ala283Gly (NM_199293.3); short protein forms A283G, A256G, A287G.
Identifiers: ClinVar variation 3682050 (VCV003682050.2).